The following is an entry in ClinVar:

NM_080669.6(SLC46A1):c.729C>G (p.Phe243Leu)

Gene: SLC46A1 (solute carrier family 46 member 1; minus strand). Cytogenetic location: 17q11.2.
Variant type: single nucleotide variant.
Coding change: c.729C>G on transcript NM_080669.6 (MANE Select); coding-DNA position 729, C replaced by G.
Protein change: p.Phe243Leu; replaces phenylalanine 243 with leucine.
Molecular consequence: missense variant.
Genome position (GRCh38, 1-based): chr17:28,404,968, G>C on the plus strand (C>G on the coding strand, the complement: SLC46A1 is on the minus strand). VCF-style: chr17-28404968-G-C. GRCh37 (hg19) VCF-style: chr17-26731986-G-C.
Other names: c.729C>G, p.Phe243Leu (NM_001242366.3); short protein forms F243L.
Identifiers: ClinVar variation 1345997 (VCV001345997.3), dbSNP rs782060856, ClinGen allele CA8458290.

ClinVar aggregate classification (germline): Uncertain significance (1 of 4 stars; one submission).

Allele frequency attached by ClinVar (database versions not stated): gnomAD exomes below 0.00001 and 0.00001; ExAC 0.00001; TOPMed 0.00001.

Submission:

Labcorp Genetics (formerly Invitae), Labcorp
Classification: Uncertain significance. Last evaluated: 2022-11-02. Review status: criteria provided, single submitter. Criteria: Invitae Variant Classification Sherloc (09022015). Collection method: clinical testing. Allele origin: germline.
Comment: This sequence change replaces phenylalanine, which is neutral and non-polar, with leucine, which is neutral and non-polar, at codon 243 of the SLC46A1 protein (p.Phe243Leu). This variant is present in population databases (rs782060856, gnomAD 0.006%). This variant has not been reported in the literature in individuals affected with SLC46A1-related conditions. ClinVar contains an entry for this variant (Variation ID: 1345997). Advanced modeling of protein sequence and biophysical properties (such as structural, functional, and spatial information, amino acid conservation, physicochemical variation, residue mobility, and thermodynamic stability) performed at Invitae indicates that this missense variant is not expected to disrupt SLC46A1 protein function. In summary, the available evidence is currently insufficient to determine the role of this variant in disease. Therefore, it has been classified as a Variant of Uncertain Significance.